The following is an entry in ClinVar:

NM_020745.4(AARS2):c.1150-182C>T

Gene: AARS2 (alanyl-tRNA synthetase 2, mitochondrial; minus strand). Cytogenetic location: 6p21.1.
Variant type: single nucleotide variant.
Coding change: c.1150-182C>T on transcript NM_020745.4 (MANE Select); 182 bases into the intron before coding-DNA position 1150, C replaced by T.
Molecular consequence: intron variant.
Genome position (GRCh38, 1-based): chr6:44,306,714, G>A on the plus strand (C>T on the coding strand, the complement: AARS2 is on the minus strand). VCF-style: chr6-44306714-G-A. GRCh37 (hg19) VCF-style: chr6-44274451-G-A.
Identifiers: ClinVar variation 682693 (VCV000682693.1), dbSNP rs161706, ClinGen allele CA15478780.
Genomic context (GRCh38, chr6:44,306,714, plus strand): 5'-AGGGACTCAAATGGGGAACTGGTTTCCCTGTAGGGTGGCAGAAGGGGGTCCTGAGGTCAA[G>A]GGCTGAGCAGTTTGGAAAAGGAGCCTCCTCAAGTTCTCCTGCTTCTTGTAAGCAAGGACA-3'

ClinVar aggregate classification (germline): Benign (1 of 4 stars; one submission).

Allele frequency attached by ClinVar (database versions not stated): 1000 Genomes Project 30x 0.88554; TOPMed 0.88847; 1000 Genomes Project 0.89077; gnomAD 0.89585 and 0.90044.
gnomAD v4.1: 137,085 of 152,134 alleles (90%); highest among the groups gnomAD compares: East Asian, 100%; 62,613 homozygotes.

Submission:

GeneDx
Classification: Benign. Last evaluated: 2018-06-14. Review status: criteria provided, single submitter. Criteria: GeneDx Variant Classification (06012015). Collection method: clinical testing. Allele origin: germline. Affected: yes.
Comment: This variant is considered likely benign or benign based on one or more of the following criteria: it is a conservative change, it occurs at a poorly conserved position in the protein, it is predicted to be benign by multiple in silico algorithms, and/or has population frequency not consistent with disease.